The following is an entry in ClinVar:

ClinVar aggregate classification (germline): Pathogenic (1 of 4 stars; one submission).

Conditions:
Developmental and epileptic encephalopathy, 42 (DEE42A). Also called: DEVELOPMENTAL AND EPILEPTIC ENCEPHALOPATHY 42A; EPILEPTIC ENCEPHALOPATHY, EARLY INFANTILE, 42A; Epileptic encephalopathy, early infantile, 42. Identifiers: MedGen C4310716, MONDO:0014917, OMIM 617106.
Episodic ataxia type 2 (EA2). Also called: ATAXIA, EPISODIC, WITH NYSTAGMUS; ATAXIA, FAMILIAL PAROXYSMAL; CEREBELLAR ATAXIA, PAROXYSMAL, ACETAZOLAMIDE-RESPONSIVE; CEREBELLOPATHY, HEREDITARY PAROXYSMAL; EPISODIC ATAXIA, NYSTAGMUS-ASSOCIATED; ACETAZOLAMIDE-RESPONSIVE HEREDITARY PAROXYSMAL CEREBELLAR ATAXIA. Identifiers: Orphanet 97, MedGen C1720416, MONDO:0007163, OMIM 108500.

Submission:

Labcorp Genetics (formerly Invitae), Labcorp
Classification: Pathogenic for Developmental and epileptic encephalopathy, 42; Episodic ataxia type 2. Last evaluated: 2021-05-25. Review status: criteria provided, single submitter. Criteria: Invitae Variant Classification Sherloc (09022015). Collection method: clinical testing. Allele origin: germline.
Comment: For these reasons, this variant has been classified as Pathogenic. This variant has not been reported in the literature in individuals with CACNA1A-related conditions. This variant is a gross deletion of the genomic region encompassing exon(s) 20-22 of the CACNA1A gene. This deletion is out-of-frame, and is expected to create a premature translational stop signal and result in an absent or disrupted protein product. Loss-of-function variants in CACNA1A are known to be pathogenic (PMID: 10371528, 19486177, 25735478, 27250579).

Literature cited by the submitters: PubMed 10371528; PubMed 19486177; PubMed 25735478; PubMed 27250579.

NC_000019.9:g.(?_13394061)_(13397800_?)del

Gene: CACNA1A (calcium voltage-gated channel subunit alpha1 A; minus strand). Cytogenetic location: 19p13.2.
Variant type: Deletion.
Identifiers: ClinVar variation 1460005 (VCV001460005.8).